The following is an entry in ClinVar:

ClinVar aggregate classification (germline): Likely pathogenic (1 of 4 stars; one submission).

Conditions:
PTPN11-related disorder. Also called: PTPN11-Related Disorders.

Submission:

PreventionGenetics, part of Exact Sciences
Classification: Likely pathogenic for PTPN11-related condition. Last evaluated: 2022-12-15. Review status: criteria provided, single submitter. Criteria: ACMG Guidelines, 2015. Collection method: clinical testing. Allele origin: germline.
Comment: The PTPN11 c.717delinsAGATAAAGTTTG variant is predicted to result in a frameshift and premature protein termination (p.Thr240Aspfs*4). To our knowledge, this variant has not been reported in the literature or in a large population database, indicating this variant is rare. Frameshift variants in PTPN11 are expected to be pathogenic, and therefore we interpret this variant as likely pathogenic.

NM_002834.5(PTPN11):c.717delinsAGATAAAGTTTG (p.Thr240fs)

Gene: PTPN11 (protein tyrosine phosphatase non-receptor type 11; plus strand). Cytogenetic location: 12q24.13.
Variant type: Indel.
Coding change: c.717delinsAGATAAAGTTTG on transcript NM_002834.5 (MANE Select); coding-DNA position 717, C replaced by AGATAAAGTTTG.
Protein change: p.Thr240fs; shifts the reading frame from threonine 240.
Molecular consequence: frameshift variant.
Genome position (GRCh38, 1-based): chr12:112,456,024, C replaced by AGATAAAGTTTG. VCF-style: chr12-112456024-C-AGATAAAGTTTG. GRCh37 (hg19) VCF-style: chr12-112893828-C-AGATAAAGTTTG.
Other names: c.717delinsAGATAAAGTTTG, p.Thr240fs (NM_001330437.2, NM_080601.3); c.714delinsAGATAAAGTTTG, p.Thr239fs (NM_001374625.1); short protein forms T239fs, T240fs.
Identifiers: ClinVar variation 2629696 (VCV002629696.1), dbSNP rs2540425549, ClinGen allele CA2695199178.